The following is an entry in ClinVar:

ClinVar aggregate classification (germline): Uncertain significance (1 of 4 stars; one submission).

Conditions:
SOS1-related disorder. Also called: SOS1-related condition.

Submission:

PreventionGenetics, part of Exact Sciences
Classification: Uncertain significance for SOS1-related condition. Last evaluated: 2023-09-18. Review status: criteria provided, single submitter. Criteria: ACMG Guidelines, 2015. Collection method: clinical testing. Allele origin: germline.
Comment: The SOS1 c.1997G>C variant is predicted to result in the amino acid substitution p.Gly666Ala. To our knowledge, this variant has not been reported in the literature or in a large population database, indicating this variant is rare. At this time, the clinical significance of this variant is uncertain due to the absence of conclusive functional and genetic evidence.

NM_005633.4(SOS1):c.1997G>C (p.Gly666Ala)

Gene: SOS1 (SOS Ras/Rac guanine nucleotide exchange factor 1; minus strand). Cytogenetic location: 2p22.1.
Variant type: single nucleotide variant.
Coding change: c.1997G>C on transcript NM_005633.4 (MANE Select); coding-DNA position 1997, G replaced by C.
Protein change: p.Gly666Ala; replaces glycine 666 with alanine.
Molecular consequence: missense variant.
Genome position (GRCh38, 1-based): chr2:39,013,933, C>G on the plus strand (G>C on the coding strand, the complement: SOS1 is on the minus strand). VCF-style: chr2-39013933-C-G. GRCh37 (hg19) VCF-style: chr2-39241074-C-G.
Other names: c.1976G>C, p.Gly659Ala (NM_001382394.1); c.1997G>C, p.Gly666Ala (NM_001382395.1); short protein forms G659A, G666A.
Identifiers: ClinVar variation 2630719 (VCV002630719.1), dbSNP rs2529000015, ClinGen allele CA346364897.